The following is an entry in ClinVar:

ClinVar aggregate classification (germline): Pathogenic (1 of 4 stars; one submission).

Conditions:
Familial cancer of breast. Also called: BREAST CANCER, FAMILIAL; hereditary breast carcinoma; Hereditary breast cancer. Identifiers: Orphanet 227535, MedGen C0346153, MONDO:0016419, OMIM 114480. Disease mechanism: loss of function.

Submission:

Labcorp Genetics (formerly Invitae), Labcorp
Classification: Pathogenic for Familial cancer of breast. Last evaluated: 2021-03-06. Review status: criteria provided, single submitter. Criteria: Invitae Variant Classification Sherloc (09022015). Collection method: clinical testing. Allele origin: germline.
Comment: For these reasons, this variant has been classified as Pathogenic. This nonsense change has been observed in individual(s) with breast cancer (PMID: 25099575). This variant is not present in population databases (ExAC no frequency). This sequence change creates a premature translational stop signal (p.Met296*) in the PALB2 gene. It is expected to result in an absent or disrupted protein product. Loss-of-function variants in PALB2 are known to be pathogenic (PMID: 17200668, 24136930, 25099575).

Literature cited by the submitters: PubMed 25099575; PubMed 17200668; PubMed 24136930.

NM_024675.4(PALB2):c.879del (p.Lys295_Met296insTer)

Gene: PALB2 (partner and localizer of BRCA2; minus strand). Cytogenetic location: 16p12.2.
Variant type: Deletion.
Coding change: c.879del on transcript NM_024675.4 (MANE Select); coding-DNA position 879, one base deleted (C; older notation c.879delC).
Protein change: p.Lys295_Met296insTer.
Molecular consequence: frameshift variant.
Genome position (GRCh38, 1-based): chr16:23,635,667, G deleted on the plus strand (C on the coding strand, the reverse complement: PALB2 is on the minus strand). VCF-style (leftmost placement, unchanged base first): chr16-23635666-TG-T. GRCh37 (hg19) VCF-style: chr16-23646987-TG-T.
Identifiers: ClinVar variation 1459532 (VCV001459532.9), dbSNP rs2142432244, ClinGen allele CA2573152201.